The following is an entry in ClinVar:

NM_015295.3(SMCHD1):c.1343-7G>C

Gene: SMCHD1 (structural maintenance of chromosomes flexible hinge domain containing 1; plus strand). Cytogenetic location: 18p11.32.
Variant type: single nucleotide variant.
Coding change: c.1343-7G>C on transcript NM_015295.3 (MANE Select); 7 bases into the intron before coding-DNA position 1343, G replaced by C.
Molecular consequence: intron variant.
Genome position (GRCh38, 1-based): chr18:2,700,532, G>C. VCF-style: chr18-2700532-G-C. GRCh37 (hg19) VCF-style: chr18-2700530-G-C.
Other names: c.1343-7G>C (NM_015295.2).
Identifiers: ClinVar variation 2172128 (VCV002172128.7), dbSNP rs959217310, ClinGen allele CA295472391.

ClinVar aggregate classification (germline): Likely benign. Review status: criteria provided, multiple submitters, no conflicts (2 of 4 stars). 3 submissions from 3 submitters: Likely benign (3). Last evaluated 2026-02-02.

Conditions:
SMCHD1-related disorder. Also called: SMCHD1-related condition.
Facioscapulohumeral muscular dystrophy 2 (FSHD2). Also called: MUSCULAR DYSTROPHY, FACIOSCAPULOHUMERAL, TYPE 1B; FACIOSCAPULOHUMERAL MUSCULAR DYSTROPHY 2, DIGENIC; FSHD2, DIGENIC. Identifiers: Orphanet 269, MedGen C1834671, MONDO:0008031, OMIM 158901.

Allele frequency attached by ClinVar (database versions not stated): gnomAD 0.00003; TOPMed 0.00003.
gnomAD v4.1: 35 of 1,598,772 alleles (0.0022%); highest among the groups gnomAD compares: African/African-American, 0.0041%; no homozygotes.

Submissions (4):

Labcorp Genetics (formerly Invitae), Labcorp
Classification: Likely benign for Facioscapulohumeral muscular dystrophy 2. Last evaluated: 2026-02-02. Review status: criteria provided, single submitter. Criteria: Invitae Variant Classification Sherloc (09022015). Collection method: clinical testing. Allele origin: germline.

PreventionGenetics, part of Exact Sciences
Classification: Likely benign for SMCHD1-related condition. Last evaluated: 2025-01-16. Review status: criteria provided, single submitter. Criteria: ACMG Guidelines, 2015. Collection method: clinical testing. Allele origin: germline.
Comment: This variant is classified as likely benign based on ACMG/AMP sequence variant interpretation guidelines (Richards et al. 2015 PMID: 25741868, with internal and published modifications).

Blueprint Genetics
Classification: Likely benign. Last evaluated: 2023-12-05. Review status: criteria provided, single submitter. Criteria: ACMG Guidelines, 2015. Collection method: clinical testing. Allele origin: germline.

Dr. Peter K. Rogan Lab, Western University
No classification provided (evidence only). Condition: Malignant tumor of esophagus. Review status: no classification provided. Collection method: in vitro. Allele origin: not applicable. Functional consequence: retained intron. Not counted in ClinVar's aggregate classification.